The following is an entry in ClinVar:

NM_017636.4(TRPM4):c.35C>G (p.Pro12Arg)

Gene: TRPM4 (transient receptor potential cation channel subfamily M member 4; plus strand). Cytogenetic location: 19q13.33.
Variant type: single nucleotide variant.
Coding change: c.35C>G on transcript NM_017636.4 (MANE Select); coding-DNA position 35, C replaced by G.
Protein change: p.Pro12Arg; replaces proline 12 with arginine.
Molecular consequence: missense variant. On other transcripts: 5 prime UTR variant (3).
Genome position (GRCh38, 1-based): chr19:49,158,202, C>G. VCF-style: chr19-49158202-C-G. GRCh37 (hg19) VCF-style: chr19-49661459-C-G.
Other names: c.35C>G, p.Pro12Arg (NM_001195227.2, NM_001321281.2); c.-1338C>G (NM_001321282.2); c.-132C>G (NM_001321283.2); c.-295C>G (NM_001321285.2); short protein forms P12R.
Identifiers: ClinVar variation 3974263 (VCV003974263.1).

ClinVar aggregate classification (germline): Uncertain significance (1 of 4 stars; one submission).

Conditions:
Cardiovascular phenotype. Identifiers: MedGen CN230736.

gnomAD v4.1: 15 of 1,613,720 alleles (0.00093%); highest among the groups gnomAD compares: South Asian, 0.016%; no homozygotes.

Submission:

Ambry Genetics
Classification: Uncertain significance for Cardiovascular phenotype. Last evaluated: 2025-04-05. Review status: criteria provided, single submitter. Criteria: Ambry Variant Classification Scheme 2023. Collection method: clinical testing. Allele origin: germline.
Comment: The p.P12R variant (also known as c.35C>G), located in coding exon 2 of the TRPM4 gene, results from a C to G substitution at nucleotide position 35. The proline at codon 12 is replaced by arginine, an amino acid with dissimilar properties. This amino acid position is conserved. In addition, the in silico prediction for this alteration is inconclusive. Based on the available evidence, the clinical significance of this variant remains unclear.